The following is an entry in ClinVar:

ClinVar aggregate classification (germline): Uncertain significance (1 of 4 stars; one submission).

Conditions:
Anauxetic dysplasia. Identifiers: Orphanet 93347, MedGen C1846796, MONDO:0011773.

Submission:

Labcorp Genetics (formerly Invitae), Labcorp
Classification: Uncertain significance for Anauxetic dysplasia. Last evaluated: 2023-10-22. Review status: criteria provided, single submitter. Criteria: Invitae Variant Classification Sherloc (09022015). Collection method: clinical testing. Allele origin: germline.
Comment: This variant occurs in the RMRP gene, which encodes an RNA molecule that does not result in a protein product. This variant is not present in population databases (gnomAD no frequency). This variant has not been reported in the literature in individuals affected with RMRP-related conditions. Experimental studies and prediction algorithms are not available or were not evaluated, and the functional significance of this variant is currently unknown. In summary, the available evidence is currently insufficient to determine the role of this variant in disease. Therefore, it has been classified as a Variant of Uncertain Significance.

NR_003051.4(RMRP):n.204dup

Gene: RMRP (RNA component of mitochondrial RNA processing endoribonuclease; minus strand). Cytogenetic location: 9p13.3.
Variant type: Duplication.
Molecular consequence: non-coding transcript variant (on NR_003051.4).
Genome position: GRCh38 VCF-style: chr9-35657815-A-AG. GRCh37 (hg19) VCF-style: chr9-35657812-A-AG.
Identifiers: ClinVar variation 2902582 (VCV002902582.3), dbSNP rs2490600109, ClinGen allele CA2689879282.